The following is an entry in ClinVar:

NM_000540.3(RYR1):c.14416AAC[1] (p.Asn4807del)

Gene: RYR1 (ryanodine receptor 1; plus strand). Cytogenetic location: 19q13.2.
Variant type: Microsatellite.
Coding change: c.14416AAC[1] on transcript NM_000540.3 (MANE Select); one copy of the 3-base unit AAC starting at c.14416; the reference has two copies in a row; one copy, 3 bases deleted; also written c.14419_14421del.
Protein change: p.Asn4807del; deletes asparagine 4807.
Molecular consequence: inframe deletion.
Genome position (GRCh38, 1-based): chr19:38,580,036-38,580,038, AAC deleted; deleting any 3 consecutive bases within chr19:38,580,031-38,580,038 gives the same sequence; the position shown is the placement nearest the transcript's 3' end. VCF-style (leftmost placement, unchanged base first): chr19-38580030-TACA-T. GRCh37 (hg19) VCF-style: chr19-39070670-TACA-T.
Other names: c.14419_14421del (NM_000540.3); c.14401AAC[1], p.Asn4802del (NM_001042723.2); short protein forms N4807del, N4802del.
Identifiers: ClinVar variation 1355503 (VCV001355503.9), dbSNP rs2145895047, ClinGen allele CA2580614897.

ClinVar aggregate classification (germline): Uncertain significance. Review status: criteria provided, multiple submitters, no conflicts (2 of 4 stars). 3 submissions from 3 submitters: Uncertain significance (3). Last evaluated 2021-12-21.

Conditions:
RYR1-related disorder. Also called: RYR1-related condition; RYR1-related disorders. Identifiers: MedGen CN239331.

Submissions (3):

Labcorp Genetics (formerly Invitae), Labcorp
Classification: Uncertain significance for RYR1-related disorder. Last evaluated: 2021-12-21. Review status: criteria provided, single submitter. Criteria: Invitae Variant Classification Sherloc (09022015). Collection method: clinical testing. Allele origin: germline.
Comment: Experimental studies and prediction algorithms are not available or were not evaluated, and the functional significance of this variant is currently unknown. This variant, c.14419_14421del, results in the deletion of 1 amino acid(s) of the RYR1 protein (p.Asn4807del), but otherwise preserves the integrity of the reading frame. This variant is not present in population databases (gnomAD no frequency). This variant has not been reported in the literature in individuals affected with RYR1-related conditions. In summary, the available evidence is currently insufficient to determine the role of this variant in disease. Therefore, it has been classified as a Variant of Uncertain Significance.

Revvity Omics, Revvity
Classification: Uncertain significance. Last evaluated: 2021-05-18. Review status: criteria provided, single submitter. Criteria: ACMG Guidelines, 2015. Collection method: clinical testing. Allele origin: germline.

Kariminejad - Najmabadi Pathology & Genetics Center
Classification: Uncertain significance. Last evaluated: 2017-11-15. Review status: criteria provided, single submitter. Criteria: ACMG Guidelines, 2015. Collection method: clinical testing. Allele origin: germline. Inheritance: Autosomal recessive inheritance. Affected: yes.
Comment: PM2,PM4,PM3_Supporting